The following is an entry in ClinVar:

NM_001283009.2(RTEL1):c.1111C>G (p.Gln371Glu)

Genes: RTEL1 (regulator of telomere elongation helicase 1; plus strand), RTEL1-TNFRSF6B (RTEL1-TNFRSF6B readthrough (NMD candidate); plus strand). Cytogenetic location: 20q13.33.
Variant type: single nucleotide variant.
Coding change: c.1111C>G on transcript NM_001283009.2 (MANE Select); coding-DNA position 1111, C replaced by G.
Protein change: p.Gln371Glu; replaces glutamine 371 with glutamic acid.
Molecular consequence: missense variant. On other transcripts: non-coding transcript variant (1).
Genome position (GRCh38, 1-based): chr20:63,679,922, C>G. VCF-style: chr20-63679922-C-G. GRCh37 (hg19) VCF-style: chr20-62311275-C-G.
Other names: c.442C>G, p.Gln148Glu (NM_001283010.1); c.1111C>G, p.Gln371Glu (NM_016434.4); c.1183C>G, p.Gln395Glu (NM_032957.5); short protein forms Q148E, Q371E, Q395E.
Identifiers: ClinVar variation 2159828 (VCV002159828.5), dbSNP rs1274681944, ClinGen allele CA409673989.
Genomic context (GRCh38, chr20:63,679,922, plus strand): 5'-CTGTTTGCTGAAGCCCAGATCACGTTTCAGACCAAGGGCTGCATCCTGGACTCGCTGGAC[C>G]AGATCATCCAGCACCTGGCAGGACGTGAGTGCTGGCACGGGGTCTTTGGTGCGGGCAAAT-3'
Protein context (NP_001269938.1, residues 361-381): TKGCILDSLD[Gln371Glu]IIQHLAGRAG

ClinVar aggregate classification (germline): Uncertain significance. Review status: criteria provided, multiple submitters, no conflicts (2 of 4 stars). 2 submissions from 2 submitters: Uncertain significance (2). Last evaluated 2024-11-18.

Conditions:
Pulmonary fibrosis and/or bone marrow failure, Telomere-related, 3. Also called: PULMONARY FIBROSIS AND/OR BONE MARROW FAILURE SYNDROME, TELOMERE-RELATED, 3. Identifiers: Orphanet 2032, MedGen C4225346, MONDO:0014613, OMIM 616373.
Dyskeratosis congenita, autosomal recessive 5 (DKCB5). Identifiers: MedGen C3554656, MONDO:0014076, OMIM 615190.
Inborn genetic diseases. Identifiers: MedGen C0950123, MeSH D030342.

Allele frequency attached by ClinVar (database versions not stated): gnomAD exomes below 0.00001; gnomAD 0.00001.
gnomAD v4.1: 7 of 1,612,254 alleles (0.00043%); highest among the groups gnomAD compares: Non-Finnish European, 0.00059%; no homozygotes.

Submissions (2):

Ambry Genetics
Classification: Uncertain significance for Inborn genetic diseases. Last evaluated: 2024-11-18. Review status: criteria provided, single submitter. Criteria: Ambry Variant Classification Scheme 2023. Collection method: clinical testing. Allele origin: germline.
Comment: The p.Q371E variant (also known as c.1111C>G), located in coding exon 12 of the RTEL1 gene, results from a C to G substitution at nucleotide position 1111. The glutamine at codon 371 is replaced by glutamic acid, an amino acid with highly similar properties. This amino acid position is conserved. In addition, the in silico prediction for this alteration is inconclusive. Based on the available evidence, the clinical significance of this variant remains unclear.

Labcorp Genetics (formerly Invitae), Labcorp
Classification: Uncertain significance for Dyskeratosis congenita, autosomal recessive 5; Pulmonary fibrosis and/or bone marrow failure, Telomere-related, 3. Last evaluated: 2024-03-09. Review status: criteria provided, single submitter. Criteria: Invitae Variant Classification Sherloc (09022015). Collection method: clinical testing. Allele origin: germline.
Comment: This sequence change replaces glutamine, which is neutral and polar, with glutamic acid, which is acidic and polar, at codon 371 of the RTEL1 protein (p.Gln371Glu). This variant is present in population databases (no rsID available, gnomAD 0.007%). This variant has not been reported in the literature in individuals affected with RTEL1-related conditions. ClinVar contains an entry for this variant (Variation ID: 2159828). An algorithm developed to predict the effect of missense changes on protein structure and function (PolyPhen-2) suggests that this variant is likely to be tolerated. In summary, the available evidence is currently insufficient to determine the role of this variant in disease. Therefore, it has been classified as a Variant of Uncertain Significance.